The following is an entry in ClinVar:

ClinVar aggregate classification (germline): Conflicting classifications of pathogenicity. Review status: criteria provided, conflicting classifications (1 of 4 stars). 5 submissions from 4 submitters: Uncertain significance (2); Benign (1); Likely benign (2). Last evaluated 2026-01-07.

Conditions:
Holoprosencephaly 7 (HPE7). Identifiers: Orphanet 2162, MedGen C1835820, MONDO:0012562, OMIM 610828.
Gorlin syndrome. Also called: Nevoid Basal Cell Carcinoma Syndrome; Basal cell nevus syndrome. Identifiers: Orphanet 377, MedGen C0004779, MONDO:0007187.

Allele frequency attached by ClinVar (database versions not stated): gnomAD 0.00002; ExAC 0.00004; TOPMed 0.00004; gnomAD exomes 0.00005 and 0.00006; ESP Exome Variant Server 0.00015.
gnomAD v4.1: 72 of 1,614,054 alleles (0.0045%); highest among the groups gnomAD compares: East Asian, 0.0022%; no homozygotes.

Submissions (5):

Labcorp Genetics (formerly Invitae), Labcorp
Classification: Benign for Gorlin syndrome. Last evaluated: 2026-01-07. Review status: criteria provided, single submitter. Criteria: Invitae Variant Classification Sherloc (09022015). Collection method: clinical testing. Allele origin: germline.

Center for Genomic Medicine, Rigshospitalet, Copenhagen University Hospital
Classification: Likely benign. Last evaluated: 2025-03-04. Review status: criteria provided, single submitter. Criteria: ACMG Guidelines, 2015. Collection method: clinical testing. Allele origin: germline.

Illumina Laboratory Services, Illumina
Classification: Uncertain significance for Holoprosencephaly 7. Last evaluated: 2018-01-13. Review status: criteria provided, single submitter. Criteria: ICSL Variant Classification Criteria 13 December 2019. Collection method: clinical testing. Allele origin: germline.

Illumina Laboratory Services, Illumina
Classification: Uncertain significance for Basal cell nevus syndrome 1. Last evaluated: 2018-01-13. Review status: criteria provided, single submitter. Criteria: ICSL Variant Classification Criteria 13 December 2019. Collection method: clinical testing. Allele origin: germline.

GeneDx
Classification: Likely benign. Last evaluated: 2016-12-29. Review status: criteria provided, single submitter. Criteria: GeneDx Variant Classification (06012015). Collection method: clinical testing. Allele origin: germline. Affected: yes.
Comment: This variant is considered likely benign or benign based on one or more of the following criteria: it is a conservative change, it occurs at a poorly conserved position in the protein, it is predicted to be benign by multiple in silico algorithms, and/or has population frequency not consistent with disease.

NM_000264.5(PTCH1):c.1215+14C>T

Gene: PTCH1 (patched 1; minus strand). Cytogenetic location: 9q22.32.
Variant type: single nucleotide variant.
Coding change: c.1215+14C>T on transcript NM_000264.5 (MANE Select); 14 bases into the intron after coding-DNA position 1215, C replaced by T.
Molecular consequence: intron variant.
Genome position (GRCh38, 1-based): chr9:95,478,986, G>A on the plus strand (C>T on the coding strand, the complement: PTCH1 is on the minus strand). VCF-style: chr9-95478986-G-A. GRCh37 (hg19) VCF-style: chr9-98241268-G-A.
Other names: c.1212+14C>T (NM_001083603.3); c.1017+14C>T (NM_001083602.3); c.1215+14C>T (NM_001354918.2); c.762+14C>T (NM_001083605.3, NM_001083604.3, NM_001083606.3 and 1 more transcripts).
Identifiers: ClinVar variation 392490 (VCV000392490.13), dbSNP rs367857273, ClinGen allele CA5138747.
Genomic context (GRCh38, chr9:95,478,986, plus strand): 5'-ATGTTTTAAATAATGGTGAAAATGAAGAATTGCATAACCAGCGAGTCTGCACGCCGATTC[G>A]AAGGTGGGTTTACCTCCACATATGTCCTCTGCCAGGCCTCCAGGATGGCTGCCGCTTTGT-3'